The following is an entry in ClinVar:

NM_015896.4(ZMYND10):c.1172G>A (p.Arg391Gln)

Gene: ZMYND10 (zinc finger MYND-type containing 10; minus strand). Cytogenetic location: 3p21.31.
Variant type: single nucleotide variant.
Coding change: c.1172G>A on transcript NM_015896.4 (MANE Select); coding-DNA position 1172, G replaced by A.
Protein change: p.Arg391Gln; replaces arginine 391 with glutamine.
Molecular consequence: missense variant.
Genome position (GRCh38, 1-based): chr3:50,341,649, C>T on the plus strand (G>A on the coding strand, the complement: ZMYND10 is on the minus strand). VCF-style: chr3-50341649-C-T. GRCh37 (hg19) VCF-style: chr3-50379080-C-T.
Other names: c.1157G>A, p.Arg386Gln (NM_001308379.2); short protein forms R386Q, R391Q.
Identifiers: ClinVar variation 2173898 (VCV002173898.1), dbSNP rs2109355008, ClinGen allele CA352934618.

ClinVar aggregate classification (germline): Uncertain significance (1 of 4 stars; one submission).

Conditions:
Primary ciliary dyskinesia. Also called: Ciliary dyskinesia. Identifiers: Orphanet 244, MedGen C0008780, MONDO:0016575, HP:0012265.

Allele frequency attached by ClinVar (database versions not stated): gnomAD exomes below 0.00001; gnomAD 0.00001.
gnomAD v4.1: 5 of 1,614,222 alleles (0.00031%); highest among the groups gnomAD compares: Non-Finnish European, 0.00034%; no homozygotes.

Submission:

Labcorp Genetics (formerly Invitae), Labcorp
Classification: Uncertain significance for Primary ciliary dyskinesia. Last evaluated: 2022-07-27. Review status: criteria provided, single submitter. Criteria: Invitae Variant Classification Sherloc (09022015). Collection method: clinical testing. Allele origin: germline.
Comment: This sequence change replaces arginine, which is basic and polar, with glutamine, which is neutral and polar, at codon 391 of the ZMYND10 protein (p.Arg391Gln). This variant is not present in population databases (gnomAD no frequency). This variant has not been reported in the literature in individuals affected with ZMYND10-related conditions. Algorithms developed to predict the effect of missense changes on protein structure and function output the following: SIFT: "Tolerated"; PolyPhen-2: "Benign"; Align-GVGD: "Class C0". The glutamine amino acid residue is found in multiple mammalian species, which suggests that this missense change does not adversely affect protein function. In summary, the available evidence is currently insufficient to determine the role of this variant in disease. Therefore, it has been classified as a Variant of Uncertain Significance.